The following is an entry in ClinVar:

ClinVar aggregate classification (germline): Pathogenic (1 of 4 stars; one submission).

Conditions:
MEGF8-related Carpenter syndrome. Also called: Carpenter syndrome 2. Identifiers: Orphanet 65759, MedGen C3554247, MONDO:0013998, OMIM 614976.

gnomAD v4.1: 2 of 1,609,564 alleles (0.00012%); highest among the groups gnomAD compares: Non-Finnish European, 0.00017%; no homozygotes.

Submission:

Labcorp Genetics (formerly Invitae), Labcorp
Classification: Pathogenic for MEGF8-related Carpenter syndrome. Last evaluated: 2024-05-01. Review status: criteria provided, single submitter. Criteria: Invitae Variant Classification Sherloc (09022015). Collection method: clinical testing. Allele origin: germline.
Comment: This sequence change creates a premature translational stop signal (p.Arg2034*) in the MEGF8 gene. It is expected to result in an absent or disrupted protein product. Loss-of-function variants in MEGF8 are known to be pathogenic (PMID: 23063620). This variant is not present in population databases (gnomAD no frequency). This variant has not been reported in the literature in individuals affected with MEGF8-related conditions. For these reasons, this variant has been classified as Pathogenic.

Literature cited by the submitters: PubMed 23063620.

NM_001271938.2(MEGF8):c.6301C>T (p.Arg2101Ter)

Gene: MEGF8 (multiple EGF like domains 8; plus strand). Cytogenetic location: 19q13.2.
Variant type: single nucleotide variant.
Coding change: c.6301C>T on transcript NM_001271938.2 (MANE Select); coding-DNA position 6301, C replaced by T.
Protein change: p.Arg2101Ter; replaces arginine 2101 with a stop codon.
Molecular consequence: nonsense.
Genome position (GRCh38, 1-based): chr19:42,368,482, C>T. VCF-style: chr19-42368482-C-T. GRCh37 (hg19) VCF-style: chr19-42872634-C-T.
Other names: c.6100C>T, p.Arg2034Ter (NM_001410.3); short protein forms R2034*, R2101*.
Identifiers: ClinVar variation 2726282 (VCV002726282.3), dbSNP rs2147506322, ClinGen allele CA406133040.